The following is an entry in ClinVar:

ClinVar aggregate classification (germline): Uncertain significance (1 of 4 stars; one submission).

Conditions:
Hereditary cancer-predisposing syndrome. Also called: Hereditary neoplastic syndrome; Hereditary Cancer Syndrome; Neoplastic Syndromes, Hereditary; Tumor predisposition. Identifiers: Orphanet 140162, MedGen C0027672, MeSH D009386, MONDO:0015356.

Submission:

Ambry Genetics
Classification: Uncertain significance for Hereditary cancer-predisposing syndrome. Last evaluated: 2023-03-29. Review status: criteria provided, single submitter. Criteria: Ambry Variant Classification Scheme 2023. Collection method: clinical testing. Allele origin: germline.
Comment: The p.S778N variant (also known as c.2333G>A), located in coding exon 5 of the PALB2 gene, results from a G to A substitution at nucleotide position 2333. The serine at codon 778 is replaced by asparagine, an amino acid with highly similar properties. This amino acid position is conserved. In addition, this alteration is predicted to be tolerated by in silico analysis. Since supporting evidence is limited at this time, the clinical significance of this alteration remains unclear.

NM_024675.4(PALB2):c.2333G>A (p.Ser778Asn)

Gene: PALB2 (partner and localizer of BRCA2; minus strand). Cytogenetic location: 16p12.2.
Variant type: single nucleotide variant.
Coding change: c.2333G>A on transcript NM_024675.4 (MANE Select); coding-DNA position 2333, G replaced by A.
Protein change: p.Ser778Asn; replaces serine 778 with asparagine.
Molecular consequence: missense variant. On other transcripts: intron variant (1).
Genome position (GRCh38, 1-based): chr16:23,629,821, C>T on the plus strand (G>A on the coding strand, the complement: PALB2 is on the minus strand). VCF-style: chr16-23629821-C-T. GRCh37 (hg19) VCF-style: chr16-23641142-C-T.
Other names: c.49-546G>A (NM_001407314.1); c.1448G>A, p.Ser483Asn (NM_001407304.1, NM_001407305.1, NM_001407306.1 and 5 more transcripts); c.545G>A, p.Ser182Asn (NM_001407312.1, NM_001407313.1); c.2273G>A, p.Ser758Asn (NM_001407296.1); c.2333G>A, p.Ser778Asn (NM_001407297.1, NM_001407298.1, NM_001407299.1 and 3 more transcripts); short protein forms S483N, S182N, S778N, S758N.
Identifiers: ClinVar variation 2567558 (VCV002567558.2), dbSNP rs2142375387, ClinGen allele CA395125018.